The following is an entry in ClinVar:

NM_006231.4(POLE):c.76A>T (p.Thr26Ser)

Gene: POLE (DNA polymerase epsilon, catalytic subunit; minus strand). Cytogenetic location: 12q24.33.
Variant type: single nucleotide variant.
Coding change: c.76A>T on transcript NM_006231.4 (MANE Select); coding-DNA position 76, A replaced by T.
Protein change: p.Thr26Ser; replaces threonine 26 with serine.
Molecular consequence: missense variant.
Genome position (GRCh38, 1-based): chr12:132,681,266, T>A on the plus strand (A>T on the coding strand, the complement: POLE is on the minus strand). VCF-style: chr12-132681266-T-A. GRCh37 (hg19) VCF-style: chr12-133257852-T-A.
Other names: short protein forms T26S.
Identifiers: ClinVar variation 1510498 (VCV001510498.8), dbSNP rs182282150, ClinGen allele CA387370643.

ClinVar aggregate classification (germline): Uncertain significance (1 of 4 stars; one submission).

Submission:

Labcorp Genetics (formerly Invitae), Labcorp
Classification: Uncertain significance. Last evaluated: 2021-02-15. Review status: criteria provided, single submitter. Criteria: Invitae Variant Classification Sherloc (09022015). Collection method: clinical testing. Allele origin: germline.
Comment: In summary, the available evidence is currently insufficient to determine the role of this variant in disease. Therefore, it has been classified as a Variant of Uncertain Significance. Algorithms developed to predict the effect of missense changes on protein structure and function output the following: SIFT: "Tolerated"; PolyPhen-2: "Benign"; Align-GVGD: "Class C0". The serine amino acid residue is found in multiple mammalian species, suggesting that this missense change does not adversely affect protein function. These predictions have not been confirmed by published functional studies and their clinical significance is uncertain. This variant has not been reported in the literature in individuals with POLE-related conditions. This variant is not present in population databases (ExAC no frequency). This sequence change replaces threonine with serine at codon 26 of the POLE protein (p.Thr26Ser). The threonine residue is weakly conserved and there is a small physicochemical difference between threonine and serine.